The following is an entry in ClinVar:

ClinVar aggregate classification (germline): Benign. Review status: criteria provided, multiple submitters, no conflicts (2 of 4 stars). 2 submissions from 2 submitters: Benign (2). Last evaluated 2018-06-14.

Allele frequency attached by ClinVar (database versions not stated): 1000 Genomes Project 30x 0.80666; gnomAD 0.67603; TOPMed 0.73405; 1000 Genomes Project 0.80424.

Submissions (2):

GeneDx
Classification: Benign. Last evaluated: 2018-06-14. Review status: criteria provided, single submitter. Criteria: GeneDx Variant Classification (06012015). Collection method: clinical testing. Allele origin: germline. Affected: yes.
Comment: This variant is considered likely benign or benign based on one or more of the following criteria: it is a conservative change, it occurs at a poorly conserved position in the protein, it is predicted to be benign by multiple in silico algorithms, and/or has population frequency not consistent with disease.

Breakthrough Genomics
Classification: Benign. Review status: criteria provided, single submitter. Criteria: ACMG Guidelines, 2015. Collection method: not provided. Allele origin: germline. Inheritance: X-linked inheritance. Affected: yes.

NM_080632.1(UPF3B):c.-286A>G

Gene: UPF3B (UPF3B regulator of nonsense mediated mRNA decay; minus strand). Cytogenetic location: Xq24.
Variant type: single nucleotide variant.
Coding change: c.-286A>G on transcript NM_080632.1; 286 bases upstream of the start codon, A replaced by G.
Genome position (GRCh38, 1-based): chrX:119,853,214, T>C on the plus strand (A>G on the coding strand, the complement: UPF3B is on the minus strand). VCF-style: chrX-119853214-T-C. GRCh37 (hg19) VCF-style: chrX-118987177-T-C.
Identifiers: ClinVar variation 684051 (VCV000684051.4), dbSNP rs2496219, ClinGen allele CA15035201.